The following is an entry in ClinVar:

ClinVar aggregate classification (germline): Uncertain significance. Review status: criteria provided, multiple submitters, no conflicts (2 of 4 stars). 2 submissions from 2 submitters: Uncertain significance (2). Last evaluated 2022-05-27.

Conditions:
Leigh syndrome (NULS). Also called: Leigh's necrotizing encephalopathy; Leigh's disease; Leigh's syndrome; LEIGH SYNDROME, NUCLEAR; Leigh Syndrome (mtDNA deletion); Leigh Disease. Identifiers: Orphanet 506, MedGen C2931891, MONDO:0009723, OMIM 256000.

Submissions (2):

Clinical Genetics Laboratory, Skane University Hospital Lund
Classification: Uncertain significance. Last evaluated: 2022-05-27. Review status: criteria provided, single submitter. Criteria: ACMG Guidelines, 2015. Collection method: clinical testing. Allele origin: germline. Affected: yes.

Wong Mito Lab, Molecular and Human Genetics, Baylor College of Medicine
Classification: Uncertain significance for Leigh syndrome. Last evaluated: 2019-10-17. Review status: criteria provided, single submitter. Criteria: Modified ACMG Guidelines (Unpublished). Collection method: clinical testing. Allele origin: germline.
Comment: The NC_012920.1:m.14960G>A (YP_003024038.1:p.Asp72Asn) variant in MTCYB gene is interpretated to be a Uncertain Significance variant based on the modified ACMG guidelines (unpublished). This variant meets the following evidence codes: PP6

NC_012920.1(MT-CYB):m.14960G>A

Gene: MT-CYB (mitochondrially encoded cytochrome b; plus strand).
Variant type: single nucleotide variant.
Genome position: chrM-14960-G-A.
Identifiers: ClinVar variation 693796 (VCV000693796.2), dbSNP rs1603224981, ClinGen allele CA645611442.